The following is an entry in ClinVar:

NM_001382430.1(AKT1):c.1211A>G (p.Gln404Arg)

Gene: AKT1 (AKT serine/threonine kinase 1; minus strand). Cytogenetic location: 14q32.33.
Variant type: single nucleotide variant.
Coding change: c.1211A>G on transcript NM_001382430.1 (MANE Select); coding-DNA position 1211, A replaced by G.
Protein change: p.Gln404Arg; replaces glutamine 404 with arginine.
Molecular consequence: missense variant.
Genome position (GRCh38, 1-based): chr14:104,772,414, T>C on the plus strand (A>G on the coding strand, the complement: AKT1 is on the minus strand). VCF-style: chr14-104772414-T-C. GRCh37 (hg19) VCF-style: chr14-105238751-T-C.
Other names: c.1211A>G, p.Gln404Arg (NM_001014431.2, NM_001014432.2, NM_001382431.1 and 3 more transcripts); short protein forms Q404R.
Identifiers: ClinVar variation 1750441 (VCV001750441.2), dbSNP rs1295342651, ClinGen allele CA391216266.

ClinVar aggregate classification (germline): Uncertain significance (1 of 4 stars; one submission).

Conditions:
Inborn genetic diseases. Identifiers: MedGen C0950123, MeSH D030342.

Allele frequency attached by ClinVar (database versions not stated): gnomAD exomes below 0.00001; gnomAD 0.00001.
gnomAD v4.1: 3 of 1,613,658 alleles (0.00019%); highest among the groups gnomAD compares: Non-Finnish European, 0.00025%; no homozygotes.

Submission:

Ambry Genetics
Classification: Uncertain significance for Inborn genetic diseases. Last evaluated: 2021-07-16. Review status: criteria provided, single submitter. Criteria: Ambry Variant Classification Scheme 2023. Collection method: clinical testing. Allele origin: germline.
Comment: The p.Q404R variant (also known as c.1211A>G), located in coding exon 11 of the AKT1 gene, results from an A to G substitution at nucleotide position 1211. The glutamine at codon 404 is replaced by arginine, an amino acid with highly similar properties. This amino acid position is conserved. In addition, this alteration is predicted to be tolerated by in silico analysis. Since supporting evidence is limited at this time, the clinical significance of this alteration remains unclear.